The following is an entry in ClinVar:

ClinVar aggregate classification (germline): Uncertain significance. Review status: criteria provided, multiple submitters, no conflicts (2 of 4 stars). 2 submissions from 2 submitters: Uncertain significance (2). Last evaluated 2022-11-20.

Conditions:
Hereditary cancer-predisposing syndrome. Also called: Neoplastic Syndromes, Hereditary; Tumor predisposition; Hereditary Cancer Syndrome; Hereditary neoplastic syndrome. Identifiers: Orphanet 140162, MedGen C0027672, MeSH D009386, MONDO:0015356.

Submissions (2):

Ambry Genetics
Classification: Uncertain significance for Hereditary cancer-predisposing syndrome. Last evaluated: 2022-11-20. Review status: criteria provided, single submitter. Criteria: Ambry Variant Classification Scheme 2023. Collection method: clinical testing. Allele origin: germline.
Comment: The p.E232Q variant (also known as c.694G>C), located in coding exon 2 of the HOXB13 gene, results from a G to C substitution at nucleotide position 694. The glutamic acid at codon 232 is replaced by glutamine, an amino acid with highly similar properties. This amino acid position is conserved. In addition, this alteration is predicted to be deleterious by in silico analysis. Since supporting evidence is limited at this time, the clinical significance of this alteration remains unclear.

Labcorp Genetics (formerly Invitae), Labcorp
Classification: Uncertain significance. Last evaluated: 2022-09-06. Review status: criteria provided, single submitter. Criteria: Invitae Variant Classification Sherloc (09022015). Collection method: clinical testing. Allele origin: germline.
Comment: This sequence change replaces glutamic acid, which is acidic and polar, with glutamine, which is neutral and polar, at codon 232 of the HOXB13 protein (p.Glu232Gln). This variant is not present in population databases (gnomAD no frequency). This variant has not been reported in the literature in individuals affected with HOXB13-related conditions. Algorithms developed to predict the effect of missense changes on protein structure and function (SIFT, PolyPhen-2, Align-GVGD) all suggest that this variant is likely to be disruptive. In summary, the available evidence is currently insufficient to determine the role of this variant in disease. Therefore, it has been classified as a Variant of Uncertain Significance.

NM_006361.6(HOXB13):c.694G>C (p.Glu232Gln)

Gene: HOXB13 (homeobox B13; minus strand). Cytogenetic location: 17q21.32.
Variant type: single nucleotide variant.
Coding change: c.694G>C on transcript NM_006361.6 (MANE Select); coding-DNA position 694, G replaced by C.
Protein change: p.Glu232Gln; replaces glutamic acid 232 with glutamine.
Molecular consequence: missense variant.
Genome position (GRCh38, 1-based): chr17:48,726,951, C>G on the plus strand (G>C on the coding strand, the complement: HOXB13 is on the minus strand). VCF-style: chr17-48726951-C-G. GRCh37 (hg19) VCF-style: chr17-46804313-C-G.
Other names: short protein forms E232Q.
Identifiers: ClinVar variation 1714904 (VCV001714904.7), dbSNP rs1370849824, ClinGen allele CA400106568.